The following is an entry in ClinVar:

ClinVar aggregate classification (germline): Uncertain significance (0 of 4 stars; one submission).

Conditions:
Prostate cancer. Also called: Malignant tumor of prostate. Identifiers: Orphanet 1331, MedGen C0376358, MONDO:0008315, HP:0012125.

Submission:

Science for Life laboratory,  Karolinska Institutet
Classification: Uncertain significance for Malignant tumor of prostate. Review status: no assertion criteria provided. Collection method: not provided. Allele origin: somatic.
Comment: TumorID:SWE-90B
ClinVar note: Converted during submission from Unknown to Uncertain significance.

NM_017712.4(PGPEP1):c.434G>A (p.Gly145Asp)

Gene: PGPEP1 (pyroglutamyl-peptidase I; plus strand). Cytogenetic location: 19p13.11.
Variant type: single nucleotide variant.
Coding change: c.434G>A on transcript NM_017712.4 (MANE Select); coding-DNA position 434, G replaced by A.
Protein change: p.Gly145Asp; replaces glycine 145 with aspartic acid.
Molecular consequence: missense variant. On other transcripts: non-coding transcript variant (1), intron variant (2).
Genome position (GRCh38, 1-based): chr19:18,357,612, G>A. VCF-style: chr19-18357612-G-A. GRCh37 (hg19) VCF-style: chr19-18468422-G-A.
Other names: c.434G>A, p.Gly145Asp (NM_001329471.2, NM_001308366.2); c.203G>A, p.Gly68Asp (NM_001329477.2, NM_001329478.2); c.204+1601G>A (NM_001300927.2, NM_001329476.2); short protein forms G145D, G68D.
Identifiers: ClinVar variation 161710 (VCV000161710.2), dbSNP rs193921074, ClinGen allele CA174641.